The following is an entry in ClinVar:

ClinVar aggregate classification (germline): Uncertain significance (1 of 4 stars; one submission).

Conditions:
Early-infantile DEE. Also called: Ohtahara syndrome; Early infantile epileptic encephalopathy with suppression bursts; Early infantile epileptic encephalopathy. Identifiers: Orphanet 1934, MedGen C0393706, MONDO:0800491.

Submission:

Labcorp Genetics (formerly Invitae), Labcorp
Classification: Uncertain significance for Early-infantile DEE. Last evaluated: 2022-03-14. Review status: criteria provided, single submitter. Criteria: Invitae Variant Classification Sherloc (09022015). Collection method: clinical testing. Allele origin: germline.
Comment: In summary, the available evidence is currently insufficient to determine the role of this variant in disease. Therefore, it has been classified as a Variant of Uncertain Significance. Algorithms developed to predict the effect of missense changes on protein structure and function are either unavailable or do not agree on the potential impact of this missense change (SIFT: "Tolerated"; PolyPhen-2: "Probably Damaging"; Align-GVGD: "Class C0"). This variant has not been reported in the literature in individuals affected with KCNQ2-related conditions. This variant is not present in population databases (gnomAD no frequency). This sequence change replaces valine, which is neutral and non-polar, with leucine, which is neutral and non-polar, at codon 139 of the KCNQ2 protein (p.Val139Leu).

NM_172107.4(KCNQ2):c.415G>C (p.Val139Leu)

Gene: KCNQ2 (potassium voltage-gated channel subfamily Q member 2; minus strand). Cytogenetic location: 20q13.33.
Variant type: single nucleotide variant.
Coding change: c.415G>C on transcript NM_172107.4 (MANE Select); coding-DNA position 415, G replaced by C.
Protein change: p.Val139Leu; replaces valine 139 with leucine.
Molecular consequence: missense variant.
Genome position (GRCh38, 1-based): chr20:63,445,337, C>G on the plus strand (G>C on the coding strand, the complement: KCNQ2 is on the minus strand). VCF-style: chr20-63445337-C-G. GRCh37 (hg19) VCF-style: chr20-62076690-C-G.
Other names: c.415G>C, p.Val139Leu (NM_001382235.1, NM_004518.6, NM_172106.3 and 2 more transcripts); short protein forms V139L.
Identifiers: ClinVar variation 2090392 (VCV002090392.4), dbSNP rs773083197, ClinGen allele CA409655527.